The following is an entry in ClinVar:

ClinVar aggregate classification (germline): Pathogenic. Review status: criteria provided, multiple submitters, no conflicts (2 of 4 stars). 3 submissions from 3 submitters: Pathogenic (3). Last evaluated 2025-03-14.

Conditions:
Cardiovascular phenotype. Identifiers: MedGen CN230736.
Hereditary cancer-predisposing syndrome. Also called: Hereditary neoplastic syndrome; Hereditary Cancer Syndrome; Neoplastic Syndromes, Hereditary; Tumor predisposition. Identifiers: Orphanet 140162, MedGen C0027672, MeSH D009386, MONDO:0015356.
Neurofibromatosis, type 1 (NF1). Also called: Peripheral type neurofibromatosis; Neurofibromatosis, type I; NEUROFIBROMATOSIS, TYPE I, SOMATIC; VON RECKLINGHAUSEN DISEASE. Identifiers: Orphanet 636, MedGen C0027831, MONDO:0018975, OMIM 162200. Disease mechanism: loss of function.

Submissions (3):

Department of Human Genetics, Hannover Medical School
Classification: Pathogenic for Neurofibromatosis, type 1. Last evaluated: 2025-03-14. Review status: criteria provided, single submitter. Criteria: ACMG Guidelines, 2015. Collection method: clinical testing. Allele origin: germline. Affected: yes.
Comment: PVS1, PM2_Supporting, PP4_Strong

Labcorp Genetics (formerly Invitae), Labcorp
Classification: Pathogenic for Neurofibromatosis, type 1. Last evaluated: 2021-07-28. Review status: criteria provided, single submitter. Criteria: Invitae Variant Classification Sherloc (09022015). Collection method: clinical testing. Allele origin: germline.
Comment: This sequence change affects an acceptor splice site in intron 53 of the NF1 gene. It is expected to disrupt RNA splicing and likely results in an absent or disrupted protein product. This variant is not present in population databases (ExAC no frequency). This variant has been observed in individual(s) with neurofibromatosis type 1 (PMID: 10712197). Algorithms developed to predict the effect of sequence changes on RNA splicing suggest that this variant may disrupt the consensus splice site, but this prediction has not been confirmed by published transcriptional studies. Donor and acceptor splice site variants typically lead to a loss of protein function (PMID: 16199547), and loss-of-function variants in NF1 are known to be pathogenic (PMID: 10712197, 23913538). For these reasons, this variant has been classified as Pathogenic.

Ambry Genetics
Classification: Pathogenic for Cardiovascular phenotype; Hereditary cancer-predisposing syndrome. Last evaluated: 2017-02-20. Review status: criteria provided, single submitter. Criteria: Ambry Variant Classification Scheme 2023. Collection method: clinical testing. Allele origin: germline.
Comment: The c.7908-2A>G intronic pathogenic mutation results from an A to G substitution two nucleotides upstream from coding exon 54 in the NF1 gene. This mutation was detected in 1/521 individuals of German or Turkish descent who were diagnosed with neurofibromatosis type 1 (NF1) (Fahsold R et al. Am. J. Hum. Genet., 2000 Mar;66:790-818). In addition to the clinical data presented in the literature, alterations that disrupt the canonical splice site are expected to cause aberrant splicing, resulting in an abnormal protein or a transcript that is subject to nonsense-mediated mRNA decay. As such, this alteration is classified as a disease-causing mutation.

Literature cited by the submitters: PubMed 10712197 (cited by Labcorp Genetics (formerly Invitae), Labcorp); PubMed 16199547 (cited by Labcorp Genetics (formerly Invitae), Labcorp); PubMed 23913538 (cited by Labcorp Genetics (formerly Invitae), Labcorp).

NM_001042492.3(NF1):c.7971-2A>G

Gene: NF1 (neurofibromin 1; plus strand). Cytogenetic location: 17q11.2.
Variant type: single nucleotide variant.
Coding change: c.7971-2A>G on transcript NM_001042492.3 (MANE Select); the canonical splice acceptor site of the intron before coding-DNA position 7971, A replaced by G.
Molecular consequence: splice acceptor variant.
Genome position (GRCh38, 1-based): chr17:31,358,478, A>G. VCF-style: chr17-31358478-A-G. GRCh37 (hg19) VCF-style: chr17-29685496-A-G.
Other names: c.7908-2A>G (NM_000267.4).
Identifiers: ClinVar variation 1366028 (VCV001366028.11), dbSNP rs779079091, ClinGen allele CA399203578.